The following is an entry in ClinVar:

ClinVar aggregate classification (germline): Likely benign (0 of 4 stars; one submission).

Conditions:
NRP2-related disorder. Also called: NRP2-related condition.

Allele frequency attached by ClinVar (database versions not stated): ESP Exome Variant Server 0.00008; gnomAD exomes 0.00018; ExAC 0.00043; 1000 Genomes Project 0.00060; 1000 Genomes Project 30x 0.00062.
gnomAD v4.1: 274 of 1,614,132 alleles (0.017%); highest among the groups gnomAD compares: South Asian, 0.2%; 5 homozygotes.

Submission:

PreventionGenetics, part of Exact Sciences
Classification: Likely benign for NRP2-related condition. Last evaluated: 2021-08-16. Review status: no assertion criteria provided. Collection method: clinical testing. Allele origin: germline.
Comment: This variant is classified as likely benign based on ACMG/AMP sequence variant interpretation guidelines (Richards et al. 2015 PMID: 25741868, with internal and published modifications).

NM_003872.3(NRP2):c.785C>T (p.Ala262Val)

Gene: NRP2 (neuropilin 2; plus strand). Cytogenetic location: 2q33.3.
Variant type: single nucleotide variant.
Coding change: c.785C>T on transcript NM_003872.3 (MANE Select); coding-DNA position 785, C replaced by T.
Protein change: p.Ala262Val; replaces alanine 262 with valine.
Molecular consequence: missense variant.
Genome position (GRCh38, 1-based): chr2:205,723,905, C>T. VCF-style: chr2-205723905-C-T. GRCh37 (hg19) VCF-style: chr2-206588629-C-T.
Other names: c.785C>T, p.Ala262Val (NM_018534.4, NM_201264.2, NM_201266.2 and 2 more transcripts); short protein forms A262V.
Identifiers: ClinVar variation 3036951 (VCV003036951.2), dbSNP rs370384347, ClinGen allele CA2068904.
Genomic context (GRCh38, chr2:205,723,905, plus strand): 5'-CGGGGATCCTCTCCCTGACCTTTCACACGGACATGGCGGTGGCCAAGGATGGCTTCTCTG[C>T]GCGTTACTACCTGGTCCACCAAGAGCCACTAGAGAGTGAGTTGGCCGATTGGGAACCTCT-3'
Protein context (NP_003863.2, residues 252-272): DMAVAKDGFS[Ala262Val]RYYLVHQEPL